The following is an entry in ClinVar:

ClinVar aggregate classification (germline): Uncertain significance (1 of 4 stars; one submission).

Submission:

GeneDx
Classification: Uncertain significance. Last evaluated: 2016-09-01. Review status: criteria provided, single submitter. Criteria: GeneDx Variant Classification (06012015). Collection method: clinical testing. Allele origin: germline. Affected: yes.
Comment: The G433V variant in the COL9A3 gene has not been reported previously as a pathogenic variant, nor as a benign variant, to our knowledge. The G433V variant was not observed in approximately 6,500 individuals of European and African American ancestry in the NHLBI Exome Sequencing Project, indicating it is not a common benign variant in these populations. The G433V variant is a conservative amino acid substitution, which is not likely to impact secondary protein structure as these residues share similar properties. This substitution occurs at a position that is conserved across species. In silico analysis predicts this variant is probably damaging to the protein structure/function. We interpret G433V as a variant of uncertain significance.

NM_001853.4(COL9A3):c.1298G>T (p.Gly433Val)

Gene: COL9A3 (collagen type IX alpha 3 chain; plus strand). Cytogenetic location: 20q13.33.
Variant type: single nucleotide variant.
Coding change: c.1298G>T on transcript NM_001853.4 (MANE Select); coding-DNA position 1298, G replaced by T.
Protein change: p.Gly433Val; replaces glycine 433 with valine.
Molecular consequence: missense variant.
Genome position (GRCh38, 1-based): chr20:62,832,164, G>T. VCF-style: chr20-62832164-G-T. GRCh37 (hg19) VCF-style: chr20-61463516-G-T.
Other names: c.1298G>T, p.Gly433Val (LRG_1253t1); short protein forms G433V.
Identifiers: ClinVar variation 388872 (VCV000388872.2), dbSNP rs1057523258, ClinGen allele CA16608008.